The following is an entry in ClinVar:

ClinVar aggregate classification (germline): Uncertain significance (1 of 4 stars; one submission).

Allele frequency attached by ClinVar (database versions not stated): gnomAD exomes below 0.00001.
gnomAD v4.1: 1 of 1,611,148 alleles (0.000062%); highest among the groups gnomAD compares: Admixed American, 0.0017%; no homozygotes.

Submission:

Labcorp Genetics (formerly Invitae), Labcorp
Classification: Uncertain significance. Last evaluated: 2021-11-19. Review status: criteria provided, single submitter. Criteria: Invitae Variant Classification Sherloc (09022015). Collection method: clinical testing. Allele origin: germline.
Comment: In summary, the available evidence is currently insufficient to determine the role of this variant in disease. Therefore, it has been classified as a Variant of Uncertain Significance. Algorithms developed to predict the effect of sequence changes on RNA splicing suggest that this variant may disrupt the consensus splice site. This variant has not been reported in the literature in individuals affected with ATR-related conditions. This variant is present in population databases (no rsID available, gnomAD 0.003%). This sequence change falls in intron 6 of the ATR gene. It does not directly change the encoded amino acid sequence of the ATR protein.

NM_001184.4(ATR):c.1542-10C>G

Gene: ATR (ATR checkpoint kinase; minus strand). Cytogenetic location: 3q23.
Variant type: single nucleotide variant.
Coding change: c.1542-10C>G on transcript NM_001184.4 (MANE Select); 10 bases into the intron before coding-DNA position 1542, C replaced by G.
Molecular consequence: intron variant.
Genome position (GRCh38, 1-based): chr3:142,559,451, G>C on the plus strand (C>G on the coding strand, the complement: ATR is on the minus strand). VCF-style: chr3-142559451-G-C. GRCh37 (hg19) VCF-style: chr3-142278293-G-C.
Other names: c.1350-10C>G (NM_001354579.2).
Identifiers: ClinVar variation 1411464 (VCV001411464.6), dbSNP rs1303337145, ClinGen allele CA546894047.